The following is an entry in ClinVar:

ClinVar aggregate classification (germline): Uncertain significance. Review status: criteria provided, multiple submitters, no conflicts (2 of 4 stars). 3 submissions from 3 submitters: Uncertain significance (3). Last evaluated 2025-09-06.

Conditions:
Hereditary cancer-predisposing syndrome. Also called: Hereditary neoplastic syndrome; Hereditary Cancer Syndrome; Tumor predisposition; Neoplastic Syndromes, Hereditary. Identifiers: Orphanet 140162, MedGen C0027672, MeSH D009386, MONDO:0015356.
Hereditary nonpolyposis colorectal neoplasms. Identifiers: MedGen C0009405, MeSH D003123.

Allele frequency attached by ClinVar (database versions not stated): TOPMed below 0.00001.

Submissions (3):

Ambry Genetics
Classification: Uncertain significance for Hereditary cancer-predisposing syndrome. Last evaluated: 2025-09-06. Review status: criteria provided, single submitter. Criteria: Ambry Variant Classification Scheme 2023. Collection method: clinical testing. Allele origin: germline.
Comment: The p.T152K variant (also known as c.455C>A), located in coding exon 2 of the MSH6 gene, results from a C to A substitution at nucleotide position 455. The threonine at codon 152 is replaced by lysine, an amino acid with similar properties. This amino acid position is conserved. In addition, this alteration is predicted to be tolerated by in silico analysis. Based on the available evidence, the clinical significance of this variant remains unclear.

Labcorp Genetics (formerly Invitae), Labcorp
Classification: Uncertain significance for Hereditary nonpolyposis colorectal neoplasms. Last evaluated: 2025-03-28. Review status: criteria provided, single submitter. Criteria: Invitae Variant Classification Sherloc (09022015). Collection method: clinical testing. Allele origin: germline.
Comment: This sequence change replaces threonine, which is neutral and polar, with lysine, which is basic and polar, at codon 152 of the MSH6 protein (p.Thr152Lys). This variant is not present in population databases (gnomAD no frequency). This variant has not been reported in the literature in individuals affected with MSH6-related conditions. ClinVar contains an entry for this variant (Variation ID: 439215). An algorithm developed to predict the effect of missense changes on protein structure and function (PolyPhen-2) suggests that this variant is likely to be disruptive. In summary, the available evidence is currently insufficient to determine the role of this variant in disease. Therefore, it has been classified as a Variant of Uncertain Significance.

Quest Diagnostics Nichols Institute San Juan Capistrano
Classification: Uncertain significance. Last evaluated: 2017-05-06. Review status: criteria provided, single submitter. Criteria: Quest Diagnostics criteria. Collection method: clinical testing. Allele origin: germline.

NM_000179.3(MSH6):c.455C>A (p.Thr152Lys)

Gene: MSH6 (mutS homolog 6; plus strand). Cytogenetic location: 2p16.3.
Variant type: single nucleotide variant.
Coding change: c.455C>A on transcript NM_000179.3 (MANE Select); coding-DNA position 455, C replaced by A.
Protein change: p.Thr152Lys; replaces threonine 152 with lysine.
Molecular consequence: missense variant. On other transcripts: 5 prime UTR variant (2), intron variant (1).
Genome position (GRCh38, 1-based): chr2:47,791,121, C>A. VCF-style: chr2-47791121-C-A. GRCh37 (hg19) VCF-style: chr2-48018260-C-A.
Other names: c.-282C>A (NM_001281493.2); c.-448C>A (NM_001281494.2); c.238-7490C>A (NM_001281492.2); short protein forms T152K.
Identifiers: ClinVar variation 439215 (VCV000439215.13), dbSNP rs1553410385, ClinGen allele CA346737208.